The following is an entry in ClinVar:

ClinVar aggregate classification (germline): Pathogenic (1 of 4 stars; one submission).

Conditions:
X-linked agammaglobulinemia with growth hormone deficiency (IGHD3). Also called: FLEISHER SYNDROME; HYPOGAMMAGLOBULINEMIA AND ISOLATED GROWTH HORMONE DEFICIENCY, X-LINKED; IGHD III; AGAMMAGLOBULINEMIA AND ISOLATED GROWTH HORMONE DEFICIENCY, X-LINKED; Isolated growth hormone deficiency type 3; Growth hormone deficiency with hypogammaglobulinemia. Identifiers: Orphanet 231692, Orphanet 631, MedGen C0472813, MONDO:0010615, OMIM 307200.

Submission:

Labcorp Genetics (formerly Invitae), Labcorp
Classification: Pathogenic for X-linked agammaglobulinemia with growth hormone deficiency. Last evaluated: 2022-09-01. Review status: criteria provided, single submitter. Criteria: Invitae Variant Classification Sherloc (09022015). Collection method: clinical testing. Allele origin: germline.
Comment: This sequence change affects an acceptor splice site in intron 6 of the BTK gene. It is expected to disrupt RNA splicing. Variants that disrupt the donor or acceptor splice site typically lead to a loss of protein function (PMID: 16199547), and loss-of-function variants in BTK are known to be pathogenic (PMID: 15661032, 16862044, 19419768). This variant is not present in population databases (gnomAD no frequency). Disruption of this splice site has been observed in individuals with X-linked agammaglobulinemia (PMID: 9545398, 30564228, 34262886). For these reasons, this variant has been classified as Pathogenic. This variant is also known as c.531-1G>A . ClinVar contains an entry for this variant (Variation ID: 940800). Algorithms developed to predict the effect of sequence changes on RNA splicing suggest that this variant may disrupt the consensus splice site.

Literature cited by the submitters: PubMed 16199547; PubMed 15661032; PubMed 16862044; PubMed 19419768; PubMed 9545398; PubMed 30564228; PubMed 34262886.

NM_000061.3(BTK):c.521-1G>A

Gene: BTK (Bruton tyrosine kinase; minus strand). Cytogenetic location: Xq22.1.
Variant type: single nucleotide variant.
Coding change: c.521-1G>A on transcript NM_000061.3 (MANE Select); the canonical splice acceptor site of the intron before coding-DNA position 521, G replaced by A.
Molecular consequence: splice acceptor variant.
Genome position (GRCh38, 1-based): chrX:101,362,241, C>T on the plus strand (G>A on the coding strand, the complement: BTK is on the minus strand). VCF-style: chrX-101362241-C-T. GRCh37 (hg19) VCF-style: chrX-100617229-C-T.
Other names: c.623-1G>A (NM_001287344.2); c.521-1G>A (NM_001287345.2).
Identifiers: ClinVar variation 940800 (VCV000940800.10), dbSNP rs1926696248, ClinGen allele CA413934621.
Genomic context (GRCh38, chrX:101,362,241, plus strand): 5'-CCTCAGGCGTTGGGGGAAGAGGCTTTTTTGTCTTCCGGTGAGAACTCCCAGGTTTTAAGC[C>T]TGCAAAACAAGAAGCCAGTGATGATATGGAATGCACTTTAGGAAAGGGGCCAAGGACAGG-3'